The following is an entry in ClinVar:

NM_152866.3(MS4A1):c.545A>G (p.Tyr182Cys)

Gene: MS4A1 (membrane spanning 4-domains A1; plus strand). Cytogenetic location: 11q12.2.
Variant type: single nucleotide variant.
Coding change: c.545A>G on transcript NM_152866.3 (MANE Select); coding-DNA position 545, A replaced by G.
Protein change: p.Tyr182Cys; replaces tyrosine 182 with cysteine.
Molecular consequence: missense variant.
Genome position (GRCh38, 1-based): chr11:60,466,129, A>G. VCF-style: chr11-60466129-A-G. GRCh37 (hg19) VCF-style: chr11-60233602-A-G.
Other names: c.545A>G, p.Tyr182Cys (NM_021950.4, NM_152867.2); short protein forms Y182C.
Identifiers: ClinVar variation 1431501 (VCV001431501.8), dbSNP rs1359452268, ClinGen allele CA380600220.
Genomic context (GRCh38, chr11:60,466,129, plus strand): 5'-TTAACATATACAACTGTGAACCAGCTAATCCCTCTGAGAAAAACTCCCCATCTACCCAAT[A>G]CTGTTACAGCATACAATCTCTGTTCTTGGTAAGTGTTCTTGGTAAGTGTGAGATTGGATT-3'
Protein context (NP_690605.1, residues 172-192): PSEKNSPSTQ[Tyr182Cys]CYSIQSLFLG

ClinVar aggregate classification (germline): Uncertain significance (1 of 4 stars; one submission).

Allele frequency attached by ClinVar (database versions not stated): TOPMed below 0.00001; gnomAD 0.00001.
gnomAD v4.1: 1 of 1,611,866 alleles (0.000062%); highest among the groups gnomAD compares: Non-Finnish European, 0.000085%; no homozygotes.

Submission:

Labcorp Genetics (formerly Invitae), Labcorp
Classification: Uncertain significance. Last evaluated: 2022-06-20. Review status: criteria provided, single submitter. Criteria: Invitae Variant Classification Sherloc (09022015). Collection method: clinical testing. Allele origin: germline.
Comment: This variant has not been reported in the literature in individuals affected with MS4A1-related conditions. In summary, the available evidence is currently insufficient to determine the role of this variant in disease. Therefore, it has been classified as a Variant of Uncertain Significance. Algorithms developed to predict the effect of missense changes on protein structure and function (SIFT, PolyPhen-2, Align-GVGD) all suggest that this variant is likely to be disruptive. This variant is present in population databases (no rsID available, gnomAD 0.007%). This sequence change replaces tyrosine, which is neutral and polar, with cysteine, which is neutral and slightly polar, at codon 182 of the MS4A1 protein (p.Tyr182Cys).